The following is an entry in ClinVar:

ClinVar aggregate classification (germline): Uncertain significance. Review status: criteria provided, multiple submitters, no conflicts (2 of 4 stars). 2 submissions from 2 submitters: Uncertain significance (2). Last evaluated 2024-03-01.

Conditions:
Inborn genetic diseases. Identifiers: MedGen C0950123, MeSH D030342.
Pitt-Hopkins-like syndrome 2 (PTHSL2). Identifiers: Orphanet 221150, Orphanet 600663, MedGen C3280479, MONDO:0013690, OMIM 614325.

Allele frequency attached by ClinVar (database versions not stated): gnomAD exomes below 0.00001 and 0.00002.
gnomAD v4.1: 37 of 1,610,482 alleles (0.0023%); highest among the groups gnomAD compares: Non-Finnish European, 0.0029%; no homozygotes.

Submissions (2):

Ambry Genetics
Classification: Uncertain significance for Inborn genetic diseases. Last evaluated: 2024-03-01. Review status: criteria provided, single submitter. Criteria: Ambry Variant Classification Scheme 2023. Collection method: clinical testing. Allele origin: germline.

Labcorp Genetics (formerly Invitae), Labcorp
Classification: Uncertain significance for Pitt-Hopkins-like syndrome 2. Last evaluated: 2023-02-21. Review status: criteria provided, single submitter. Criteria: Invitae Variant Classification Sherloc (09022015). Collection method: clinical testing. Allele origin: germline.
Comment: This sequence change replaces tryptophan, which is neutral and slightly polar, with cysteine, which is neutral and slightly polar, at codon 183 of the NRXN1 protein (p.Trp183Cys). This variant is present in population databases (no rsID available, gnomAD 0.0009%). This variant has not been reported in the literature in individuals affected with NRXN1-related conditions. ClinVar contains an entry for this variant (Variation ID: 1043445). An algorithm developed to predict the effect of missense changes on protein structure and function (PolyPhen-2) suggests that this variant is likely to be disruptive. In summary, the available evidence is currently insufficient to determine the role of this variant in disease. Therefore, it has been classified as a Variant of Uncertain Significance.

NM_001330078.2(NRXN1):c.549G>C (p.Trp183Cys)

Gene: NRXN1 (neurexin 1; minus strand). Cytogenetic location: 2p16.3.
Variant type: single nucleotide variant.
Coding change: c.549G>C on transcript NM_001330078.2 (MANE Select); coding-DNA position 549, G replaced by C.
Protein change: p.Trp183Cys; replaces tryptophan 183 with cysteine.
Molecular consequence: missense variant.
Genome position (GRCh38, 1-based): chr2:51,027,725, C>G on the plus strand (G>C on the coding strand, the complement: NRXN1 is on the minus strand). VCF-style: chr2-51027725-C-G. GRCh37 (hg19) VCF-style: chr2-51254863-C-G.
Other names: c.549G>C (NM_001135659.1); c.549G>C, p.Trp183Cys (NM_001135659.3, NM_001330077.2, NM_001330079.2 and 15 more transcripts); short protein forms W183C.
Identifiers: ClinVar variation 1043445 (VCV001043445.9), dbSNP rs1416806597, ClinGen allele CA346823778.
Genomic context (GRCh38, chr2:51,027,725, plus strand): 5'-CTTCACCTCGCCGCTGTCCACGGGCAGGACCTGCGAGGAGTTGACCCTCACGTCACGAAT[C>G]CACCCCTTGAAGGGCTCCCGCTCCCTCACCGAGGCCAGGGTGAGCTTGAGCGCCGCGGCG-3'
Protein context (NP_001317007.1, residues 173-193): SVREREPFKG[Trp183Cys]IRDVRVNSSQ